The following is an entry in ClinVar:

NM_017777.4(MKS1):c.682C>T (p.Leu228=)

Gene: MKS1 (MKS transition zone complex subunit 1; minus strand). Cytogenetic location: 17q22.
Variant type: single nucleotide variant.
Coding change: c.682C>T on transcript NM_017777.4 (MANE Select); coding-DNA position 682, C replaced by T.
Protein change: p.Leu228=; no amino-acid change (leucine 228 retained).
Molecular consequence: synonymous variant.
Genome position (GRCh38, 1-based): chr17:58,213,832, G>A on the plus strand (C>T on the coding strand, the complement: MKS1 is on the minus strand). VCF-style: chr17-58213832-G-A. GRCh37 (hg19) VCF-style: chr17-56291193-G-A.
Other names: c.73C>T, p.Leu25= (NM_001321268.2); c.682C>T, p.Leu228= (NM_001321269.2, NM_001330397.2, NM_001411113.1).
Identifiers: ClinVar variation 3045715 (VCV003045715.2), dbSNP rs1187011489, ClinGen allele CA501033557.

ClinVar aggregate classification (germline): Likely benign (0 of 4 stars; one submission).

Conditions:
MKS1-related disorder. Also called: MKS1-related disorders; MKS1-related condition. Identifiers: MedGen CN239382.

Submission:

PreventionGenetics, part of Exact Sciences
Classification: Likely benign for MKS1-related condition. Last evaluated: 2023-06-22. Review status: no assertion criteria provided. Collection method: clinical testing. Allele origin: germline.
Comment: This variant is classified as likely benign based on ACMG/AMP sequence variant interpretation guidelines (Richards et al. 2015 PMID: 25741868, with internal and published modifications).